The following is an entry in ClinVar:

NM_052947.4(ALPK2):c.3260T>G (p.Leu1087Arg)

Gene: ALPK2 (alpha kinase 2; minus strand). Cytogenetic location: 18q21.31.
Variant type: single nucleotide variant.
Coding change: c.3260T>G on transcript NM_052947.4 (MANE Select); coding-DNA position 3260, T replaced by G.
Protein change: p.Leu1087Arg; replaces leucine 1087 with arginine.
Molecular consequence: missense variant.
Genome position (GRCh38, 1-based): chr18:58,536,927, A>C on the plus strand (T>G on the coding strand, the complement: ALPK2 is on the minus strand). VCF-style: chr18-58536927-A-C. GRCh37 (hg19) VCF-style: chr18-56204159-A-C.
Other names: short protein forms L1087R.
Identifiers: ClinVar variation 1729530 (VCV001729530.2), dbSNP rs371052854, ClinGen allele CA402568766.

ClinVar aggregate classification (germline): Uncertain significance (1 of 4 stars; one submission).

gnomAD v4.1: 2 of 1,614,236 alleles (0.00012%); highest among the groups gnomAD compares: Non-Finnish European, 0.00017%; no homozygotes.

Submission:

Ambry Genetics
Classification: Uncertain significance. Last evaluated: 2024-02-22. Review status: criteria provided, single submitter. Criteria: Ambry Variant Classification Scheme 2023. Collection method: clinical testing. Allele origin: germline.
Comment: The p.L1087R variant (also known as c.3260T>G), located in coding exon 4 of the ALPK2 gene, results from a T to G substitution at nucleotide position 3260. The leucine at codon 1087 is replaced by arginine, an amino acid with dissimilar properties. This amino acid position is conserved. In addition, this alteration is predicted to be tolerated by in silico analysis. Since supporting evidence is limited at this time, the clinical significance of this alteration remains unclear.